The following is an entry in ClinVar:

NC_000009.12:g.(?_109137435)_(109167311_?)dup

Gene: FRRS1L (ferric chelate reductase 1 like; minus strand). Cytogenetic location: 9q31.3.
Variant type: Duplication.
Identifiers: ClinVar variation 832759 (VCV000832759.2).

ClinVar aggregate classification (germline): Uncertain significance (1 of 4 stars; one submission).

Conditions:
Developmental and epileptic encephalopathy, 37 (DEE37). Also called: Epileptic encephalopathy, early infantile, 37. Identifiers: MedGen C4310770, MONDO:0014859, OMIM 616981.

Submission:

Labcorp Genetics (formerly Invitae), Labcorp
Classification: Uncertain significance for Developmental and epileptic encephalopathy, 37. Last evaluated: 2021-03-09. Review status: criteria provided, single submitter. Criteria: Invitae Variant Classification Sherloc (09022015). Collection method: clinical testing. Allele origin: germline.
Comment: This variant results in a copy number gain of the genomic region encompassing the full coding sequence of the FRRS1L gene. The boundaries of this event are unknown as they extend beyond the assayed region for this gene and therefore may encompass additional genes. As the precise location of this event is unknown, it may be in tandem or it may be located elsewhere in the genome. This variant has not been reported in the literature in individuals with FRRS1L-related conditions. In summary, the available evidence is currently insufficient to determine the role of this variant in disease. Therefore, it has been classified as a Variant of Uncertain Significance.